The following is an entry in ClinVar:

ClinVar aggregate classification (germline): Benign/Likely benign. Review status: criteria provided, multiple submitters, no conflicts (2 of 4 stars). 2 submissions from 2 submitters: Benign (1); Likely benign (1). Last evaluated 2024-03-05.

Conditions:
Wilson disease (WND). Also called: Wilson's disease. Identifiers: Orphanet 905, MedGen C0019202, MONDO:0010200, OMIM 277900. Disease mechanism: loss of function.

Submissions (2):

All of Us Research Program, National Institutes of Health
Classification: Likely benign for Wilson disease. Last evaluated: 2024-03-05. Review status: criteria provided, single submitter. Criteria: ACMG Guidelines, 2015. Collection method: clinical testing. Allele origin: germline. Inheritance: Autosomal recessive inheritance. Observed: 1 variant allele, 1 heterozygote.
Comment: This study involves interpretation of variants in research participants for the purpose of population health screening. Participant phenotype was not available at the time of variant classification. Additional details can be found in publication PMID: 35346344, PMCID: PMC8962531

Genetic Services Laboratory, University of Chicago
Classification: Benign. Last evaluated: 2013-02-08. Review status: criteria provided, single submitter. Criteria: ACMG Guidelines, 2007. Collection method: clinical testing. Allele origin: germline. Inheritance: Autosomal recessive inheritance.

NM_000053.4(ATP7B):c.3381G>A (p.Leu1127=)

Gene: ATP7B (ATPase copper transporting beta; minus strand). Cytogenetic location: 13q14.3.
Variant type: single nucleotide variant.
Coding change: c.3381G>A on transcript NM_000053.4 (MANE Select); coding-DNA position 3381, G replaced by A.
Protein change: p.Leu1127=; no amino-acid change (leucine 1127 retained).
Molecular consequence: synonymous variant.
Genome position (GRCh38, 1-based): chr13:51,942,417, C>T on the plus strand (G>A on the coding strand, the complement: ATP7B is on the minus strand). VCF-style: chr13-51942417-C-T. GRCh37 (hg19) VCF-style: chr13-52516553-C-T.
Other names: c.2760G>A, p.Leu920= (NM_001005918.3); c.3048G>A, p.Leu1016= (NM_001243182.2); c.3147G>A, p.Leu1049= (NM_001330578.2); c.3129G>A, p.Leu1043= (NM_001330579.2).
Identifiers: ClinVar variation 157948 (VCV000157948.7), dbSNP rs587783311, ClinGen allele CA171313.